The following is an entry in ClinVar:

ClinVar aggregate classification (germline): Uncertain significance (1 of 4 stars; one submission).

Conditions:
Familial cancer of breast. Also called: BREAST CANCER, FAMILIAL; hereditary breast carcinoma; Hereditary breast cancer. Identifiers: Orphanet 227535, MedGen C0346153, MONDO:0016419, OMIM 114480. Disease mechanism: loss of function.

Allele frequency attached by ClinVar (database versions not stated): gnomAD exomes below 0.00001.
gnomAD v4.1: 1 of 1,614,154 alleles (0.000062%); highest among the groups gnomAD compares: East Asian, 0.0022%; no homozygotes.

Submission:

Labcorp Genetics (formerly Invitae), Labcorp
Classification: Uncertain significance for Familial cancer of breast. Last evaluated: 2022-10-07. Review status: criteria provided, single submitter. Criteria: Invitae Variant Classification Sherloc (09022015). Collection method: clinical testing. Allele origin: germline.
Comment: In summary, the available evidence is currently insufficient to determine the role of this variant in disease. Therefore, it has been classified as a Variant of Uncertain Significance. Advanced modeling of protein sequence and biophysical properties (such as structural, functional, and spatial information, amino acid conservation, physicochemical variation, residue mobility, and thermodynamic stability) performed at Invitae indicates that this missense variant is not expected to disrupt PALB2 protein function. This variant has not been reported in the literature in individuals affected with PALB2-related conditions. This variant is not present in population databases (gnomAD no frequency). This sequence change replaces proline, which is neutral and non-polar, with threonine, which is neutral and polar, at codon 529 of the PALB2 protein (p.Pro529Thr).

NM_024675.4(PALB2):c.1585C>A (p.Pro529Thr)

Gene: PALB2 (partner and localizer of BRCA2; minus strand). Cytogenetic location: 16p12.2.
Variant type: single nucleotide variant.
Coding change: c.1585C>A on transcript NM_024675.4 (MANE Select); coding-DNA position 1585, C replaced by A.
Protein change: p.Pro529Thr; replaces proline 529 with threonine.
Molecular consequence: missense variant.
Genome position (GRCh38, 1-based): chr16:23,634,961, G>T on the plus strand (C>A on the coding strand, the complement: PALB2 is on the minus strand). VCF-style: chr16-23634961-G-T. GRCh37 (hg19) VCF-style: chr16-23646282-G-T.
Other names: c.1525C>A, p.Pro509Thr (NM_001407296.1); c.1585C>A, p.Pro529Thr (NM_001407297.1, NM_001407298.1, NM_001407299.1 and 3 more transcripts); c.700C>A, p.Pro234Thr (NM_001407304.1, NM_001407305.1, NM_001407306.1 and 5 more transcripts); short protein forms P234T, P509T, P529T.
Identifiers: ClinVar variation 1721168 (VCV001721168.5), dbSNP rs560839514, ClinGen allele CA395130613.